The following is an entry in ClinVar:

ClinVar aggregate classification (germline): Uncertain significance (1 of 4 stars; one submission).

Allele frequency attached by ClinVar (database versions not stated): gnomAD exomes below 0.00001.
gnomAD v4.1: 2 of 1,614,224 alleles (0.00012%); highest among the groups gnomAD compares: East Asian, 0.0045%; no homozygotes.

Submission:

Labcorp Genetics (formerly Invitae), Labcorp
Classification: Uncertain significance. Last evaluated: 2022-09-27. Review status: criteria provided, single submitter. Criteria: Invitae Variant Classification Sherloc (09022015). Collection method: clinical testing. Allele origin: germline.
Comment: This sequence change replaces aspartic acid, which is acidic and polar, with glutamic acid, which is acidic and polar, at codon 229 of the ABHD12 protein (p.Asp229Glu). This variant is not present in population databases (gnomAD no frequency). This variant has not been reported in the literature in individuals affected with ABHD12-related conditions. Advanced modeling of protein sequence and biophysical properties (such as structural, functional, and spatial information, amino acid conservation, physicochemical variation, residue mobility, and thermodynamic stability) performed at Invitae indicates that this missense variant is not expected to disrupt ABHD12 protein function. In summary, the available evidence is currently insufficient to determine the role of this variant in disease. Therefore, it has been classified as a Variant of Uncertain Significance.

NM_001042472.3(ABHD12):c.687C>G (p.Asp229Glu)

Genes: ABHD12 (abhydrolase domain containing 12, lysophospholipase; minus strand), LOC126863008 (CDK7 strongly-dependent group 2 enhancer GRCh37_chr20:25289826-25291025; plus strand). Cytogenetic location: 20p11.21.
Variant type: single nucleotide variant.
Coding change: c.687C>G on transcript NM_001042472.3 (MANE Select); coding-DNA position 687, C replaced by G.
Protein change: p.Asp229Glu; replaces aspartic acid 229 with glutamic acid.
Molecular consequence: missense variant.
Genome position (GRCh38, 1-based): chr20:25,309,508, G>C on the plus strand (C>G on the coding strand, the complement: ABHD12 is on the minus strand). VCF-style: chr20-25309508-G-C. GRCh37 (hg19) VCF-style: chr20-25290144-G-C.
Other names: c.687C>G, p.Asp229Glu (NM_015600.5); short protein forms D229E.
Identifiers: ClinVar variation 2110493 (VCV002110493.4), dbSNP rs1053316464, ClinGen allele CA313720772.
Genomic context (GRCh38, chr20:25,309,508, plus strand): 5'-AGTGCCCAGAGAGTGGCCCCAGATGTACACGGGGTTGTCACCACTTCTTGCTTTGATCCA[G>C]TCAAAAACGTGGAGTGCGTCATAGGTCATGCCCCGCTCAGATGGCGTTCCCACTGAGTCA-3'
Protein context (NP_001035937.1, residues 219-239): GMTYDALHVF[Asp229Glu]WIKARSGDNP